The following is an entry in ClinVar:

NM_015627.3(LDLRAP1):c.345-14T>C

Gene: LDLRAP1 (low density lipoprotein receptor adaptor protein 1; plus strand). Cytogenetic location: 1p36.11.
Variant type: single nucleotide variant.
Coding change: c.345-14T>C on transcript NM_015627.3 (MANE Select); 14 bases into the intron before coding-DNA position 345, T replaced by C.
Molecular consequence: intron variant.
Genome position (GRCh38, 1-based): chr1:25,557,139, T>C. VCF-style: chr1-25557139-T-C. GRCh37 (hg19) VCF-style: chr1-25883630-T-C.
Identifiers: ClinVar variation 2721111 (VCV002721111.4), dbSNP rs568643238, ClinGen allele CA695521.

ClinVar aggregate classification (germline): Conflicting classifications of pathogenicity. Review status: criteria provided, conflicting classifications (1 of 4 stars). 2 submissions from 2 submitters: Uncertain significance (1); Benign (1). Last evaluated 2025-10-21.

Conditions:
Familial hypercholesterolemia. Also called: Familial hypercholesterolemias; Familial hypercholesterolaemia. Identifiers: MedGen C0020445, MONDO:0005439.
Hypercholesterolemia, familial, 4 (FHCL4). Also called: HYPERCHOLESTEROLEMIA, AUTOSOMAL RECESSIVE, 1; HYPERCHOLESTEROLEMIA, AUTOSOMAL RECESSIVE, 2. Identifiers: Orphanet 391665, MedGen C1863512, MONDO:0011374, OMIM 603813.

Allele frequency attached by ClinVar (database versions not stated): TOPMed 0.00001; gnomAD 0.00003; gnomAD exomes 0.00005; 1000 Genomes Project 0.00020; ExAC 0.00021; 1000 Genomes Project 30x 0.00031.
gnomAD v4.1: 86 of 1,604,172 alleles (0.0054%); highest among the groups gnomAD compares: South Asian, 0.088%; 1 homozygote.

Submissions (2):

Cambridge Genomics Laboratory, East Genomic Laboratory Hub, NHS Genomic Medicine Service
Classification: Uncertain significance for Familial hypercholesterolaemia. Last evaluated: 2025-10-21. Review status: criteria provided, single submitter. Criteria: ACGS Best Practice Guidelines for Variant Classification in Rare Disease 2020. Collection method: clinical testing. Allele origin: germline. Affected: yes.
Comment: PM2,PP4,BP4

Labcorp Genetics (formerly Invitae), Labcorp
Classification: Benign for Hypercholesterolemia, familial, 4. Last evaluated: 2024-12-31. Review status: criteria provided, single submitter. Criteria: Invitae Variant Classification Sherloc (09022015). Collection method: clinical testing. Allele origin: germline.